The following is an entry in ClinVar:

NM_000384.3(APOB):c.9066T>A (p.Asp3022Glu)

Gene: APOB (apolipoprotein B; minus strand). Cytogenetic location: 2p24.1.
Variant type: single nucleotide variant.
Coding change: c.9066T>A on transcript NM_000384.3 (MANE Select); coding-DNA position 9066, T replaced by A.
Protein change: p.Asp3022Glu; replaces aspartic acid 3022 with glutamic acid.
Molecular consequence: missense variant.
Genome position (GRCh38, 1-based): chr2:21,007,802, A>T on the plus strand (T>A on the coding strand, the complement: APOB is on the minus strand). VCF-style: chr2-21007802-A-T. GRCh37 (hg19) VCF-style: chr2-21230674-A-T.
Other names: short protein forms D3022E.
Identifiers: ClinVar variation 4613700 (VCV004613700.2), dbSNP rs768447274.
Genomic context (GRCh38, chr2:21,007,802, plus strand): 5'-CTGGGCTGAAAAGAAAAGAGAATTTTTCAAAGTTCCAATAACCTTTCCATTTAAATGAGC[A>T]TCATGCCTCCCAGTAAACTCTGCCTTCCCTTCTCCAAACAGTGCCATGCCTTTAGCAGTT-3'
Protein context (NP_000375.3, residues 3012-3032): EGKAEFTGRH[Asp3022Glu]AHLNGKVIGT

ClinVar aggregate classification (germline): Uncertain significance (1 of 4 stars; one submission).

Conditions:
Cardiovascular phenotype. Identifiers: MedGen CN230736.

Allele frequency attached by ClinVar (database versions not stated): TOPMed 0.00001; gnomAD 0.00001.
gnomAD v4.1: 5 of 1,613,986 alleles (0.00031%); highest among the groups gnomAD compares: Non-Finnish European, 0.00042%; no homozygotes.

Submission:

Ambry Genetics
Classification: Uncertain significance for Cardiovascular phenotype. Last evaluated: 2026-07-01. Review status: criteria provided, single submitter. Criteria: Ambry Variant Classification Scheme 2023. Collection method: clinical testing. Allele origin: germline.
Comment: The p.D3022E variant (also known as c.9066T>A), located in coding exon 26 of the APOB gene, results from a T to A substitution at nucleotide position 9066. The aspartic acid at codon 3022 is replaced by glutamic acid, an amino acid with highly similar properties. This amino acid position is conserved. In addition, this alteration is predicted to be tolerated by in silico analysis. Based on the available evidence, the clinical significance of this variant remains unclear.